The following is an entry in ClinVar:

NM_032607.3(CREB3L3):c.[732dup;739A>T]

Variant type: Haplotype.
Identifiers: ClinVar variation 1120263 (VCV001120263.1).

ClinVar aggregate classification (germline): risk factor (0 of 4 stars; one submission).

Conditions:
Hypertriglyceridemia 2. Identifiers: MedGen C5543398, MONDO:0859149, OMIM 619324.

Submission:

OMIM
Classification: risk factor for HYPERTRIGLYCERIDEMIA, SUSCEPTIBILITY TO, 2. Last evaluated: 2021-05-17. Review status: no assertion criteria provided. Collection method: literature only. Allele origin: germline.

Literature cited by the submitters: PubMed 21666694.